The following is an entry in ClinVar:

ClinVar aggregate classification (germline): Uncertain significance. Review status: criteria provided, multiple submitters, no conflicts (2 of 4 stars). 2 submissions from 2 submitters: Uncertain significance (2). Last evaluated 2025-10-12.

Conditions:
Familial thoracic aortic aneurysm and aortic dissection (TAAD). Also called: Thoracic aortic aneurysms and dissections. Identifiers: Orphanet 91387, MedGen C4707243, MONDO:0019625.
Aortic aneurysm, familial thoracic 7 (AAT7). Also called: AORTIC DISSECTION, FAMILIAL, WITH OR WITHOUT AORTIC ANEURYSM. Identifiers: MedGen C3151077, MONDO:0013418, OMIM 613780.

Submissions (2):

Ambry Genetics
Classification: Uncertain significance for Familial thoracic aortic aneurysm and aortic dissection. Last evaluated: 2025-10-12. Review status: criteria provided, single submitter. Criteria: Ambry Variant Classification Scheme 2023. Collection method: clinical testing. Allele origin: germline.
Comment: The p.M1513V variant (also known as c.4537A>G), located in coding exon 24 of the MYLK gene, results from an A to G substitution at nucleotide position 4537. The methionine at codon 1513 is replaced by valine, an amino acid with highly similar properties. This amino acid position is conserved. In addition, the in silico prediction for this alteration is inconclusive. Based on the available evidence, the clinical significance of this variant remains unclear.

Labcorp Genetics (formerly Invitae), Labcorp
Classification: Uncertain significance for Aortic aneurysm, familial thoracic 7. Last evaluated: 2024-11-30. Review status: criteria provided, single submitter. Criteria: Invitae Variant Classification Sherloc (09022015). Collection method: clinical testing. Allele origin: germline.
Comment: This sequence change replaces methionine, which is neutral and non-polar, with valine, which is neutral and non-polar, at codon 1513 of the MYLK protein (p.Met1513Val). This variant is not present in population databases (gnomAD no frequency). This variant has not been reported in the literature in individuals affected with MYLK-related conditions. Invitae Evidence Modeling of protein sequence and biophysical properties (such as structural, functional, and spatial information, amino acid conservation, physicochemical variation, residue mobility, and thermodynamic stability) indicates that this missense variant is not expected to disrupt MYLK protein function with a negative predictive value of 80%. In summary, the available evidence is currently insufficient to determine the role of this variant in disease. Therefore, it has been classified as a Variant of Uncertain Significance.

NM_053025.4(MYLK):c.4537A>G (p.Met1513Val)

Gene: MYLK (myosin light chain kinase; minus strand). Cytogenetic location: 3q21.1.
Variant type: single nucleotide variant.
Coding change: c.4537A>G on transcript NM_053025.4 (MANE Select); coding-DNA position 4537, A replaced by G.
Protein change: p.Met1513Val; replaces methionine 1513 with valine.
Molecular consequence: missense variant.
Genome position (GRCh38, 1-based): chr3:123,647,306, T>C on the plus strand (A>G on the coding strand, the complement: MYLK is on the minus strand). VCF-style: chr3-123647306-T-C. GRCh37 (hg19) VCF-style: chr3-123366153-T-C.
Other names: c.4009A>G, p.Met1337Val (NM_001321309.2); c.4330A>G, p.Met1444Val (NM_053026.4, NM_053028.4); c.4537A>G, p.Met1513Val (NM_053027.4); c.4537A>G (NM_053025.3); short protein forms M1337V, M1444V, M1513V.
Identifiers: ClinVar variation 3605248 (VCV003605248.3).